The following is an entry in ClinVar:

NM_016378.3(VCX2):c.216G>A (p.Ala72=)

Genes: VCX2 (variable charge X-linked 2; minus strand), LOC106029241 (S232-VCX2 recombination region; plus strand). Cytogenetic location: Xp22.31.
Variant type: single nucleotide variant.
Coding change: c.216G>A on transcript NM_016378.3 (MANE Select); coding-DNA position 216, G replaced by A.
Protein change: p.Ala72=; no amino-acid change (alanine 72 retained).
Molecular consequence: synonymous variant.
Genome position (GRCh38, 1-based): chrX:8,170,236, C>T on the plus strand (G>A on the coding strand, the complement: VCX2 is on the minus strand). VCF-style: chrX-8170236-C-T. GRCh37 (hg19) VCF-style: chrX-8138277-C-T.
Identifiers: ClinVar variation 2659929 (VCV002659929.23), dbSNP rs748754727, ClinGen allele CA10343117.
Genomic context (GRCh38, chrX:8,170,236, plus strand): 5'-CTCCGGCGGCAGCTCGTGCTGAGGGAGCTCCTGGCTGGGCTGGTCGCTGGGGCCGGGTGC[C>T]GCTGGCGCGCTCTCCGCCTCAGGTGCCGTCACGGCCGCCATCTTTGTCGCAGCCCCTTTC-3'
Protein context (NP_057462.2, residues 62-82): VTAPEAESAP[Ala72=]APGPSDQPSQ

ClinVar aggregate classification (germline): Likely benign (1 of 4 stars; one submission).

Allele frequency attached by ClinVar (database versions not stated): ExAC 0.00082.

Submission:

CeGaT Center for Human Genetics Tuebingen
Classification: Likely benign. Last evaluated: 2023-01-01. Review status: criteria provided, single submitter. Criteria: CeGaT Center For Human Genetics Tuebingen Variant Classification Criteria Version 2. Collection method: clinical testing. Allele origin: germline. Affected: yes. Observed: 1 variant allele.
Comment: ENSG00000285679: BS2; VCX2: BP4, BP7, BS2